The following is an entry in ClinVar:

NM_000264.5(PTCH1):c.1802A>G (p.Tyr601Cys)

Genes: PTCH1 (patched 1; minus strand), LOC100507346 (uncharacterized LOC100507346; plus strand). Cytogenetic location: 9q22.32.
Variant type: single nucleotide variant.
Coding change: c.1802A>G on transcript NM_000264.5 (MANE Select); coding-DNA position 1802, A replaced by G.
Protein change: p.Tyr601Cys; replaces tyrosine 601 with cysteine.
Molecular consequence: missense variant. On other transcripts: non-coding transcript variant (2).
Genome position (GRCh38, 1-based): chr9:95,469,858, T>C on the plus strand (A>G on the coding strand, the complement: PTCH1 is on the minus strand). VCF-style: chr9-95469858-T-C. GRCh37 (hg19) VCF-style: chr9-98232140-T-C.
Other names: c.1604A>G, p.Tyr535Cys (NM_001083602.3); c.1799A>G, p.Tyr600Cys (NM_001083603.3); c.1349A>G, p.Tyr450Cys (NM_001083604.3, NM_001083605.3, NM_001083606.3 and 1 more transcripts); c.1646A>G, p.Tyr549Cys (NM_001354918.2); c.1604A>G (NM_001083602.1); short protein forms Y549C, Y600C, Y450C, Y535C, Y601C.
Identifiers: ClinVar variation 1448639 (VCV001448639.9), dbSNP rs2118092432, ClinGen allele CA374116313.

ClinVar aggregate classification (germline): Uncertain significance. Review status: criteria provided, multiple submitters, no conflicts (2 of 4 stars). 2 submissions from 2 submitters: Uncertain significance (2). Last evaluated 2026-07-06.

Conditions:
Hereditary cancer-predisposing syndrome. Also called: Hereditary Cancer Syndrome; Tumor predisposition; Neoplastic Syndromes, Hereditary; Hereditary neoplastic syndrome. Identifiers: Orphanet 140162, MedGen C0027672, MeSH D009386, MONDO:0015356.
Gorlin syndrome. Also called: Nevoid Basal Cell Carcinoma Syndrome; Basal cell nevus syndrome. Identifiers: Orphanet 377, MedGen C0004779, MONDO:0007187.

Allele frequency attached by ClinVar (database versions not stated): gnomAD exomes below 0.00001.
gnomAD v4.1: 1 of 1,614,152 alleles (0.000062%); highest among the groups gnomAD compares: Non-Finnish European, 0.000085%; no homozygotes.

Submissions (2):

Ambry Genetics
Classification: Uncertain significance for Hereditary cancer-predisposing syndrome. Last evaluated: 2026-07-06. Review status: criteria provided, single submitter. Criteria: Ambry Variant Classification Scheme 2023. Collection method: clinical testing. Allele origin: germline.
Comment: The p.Y535C variant (also known as c.1604A>G), located in coding exon 13 of the PTCH1 gene, results from an A to G substitution at nucleotide position 1604. The tyrosine at codon 535 is replaced by cysteine, an amino acid with highly dissimilar properties. This amino acid position is conserved. In addition, this alteration is predicted to be deleterious by in silico analysis. Based on the available evidence, the clinical significance of this variant remains unclear.

Labcorp Genetics (formerly Invitae), Labcorp
Classification: Uncertain significance for Gorlin syndrome. Last evaluated: 2021-04-23. Review status: criteria provided, single submitter. Criteria: Invitae Variant Classification Sherloc (09022015). Collection method: clinical testing. Allele origin: germline.
Comment: This variant has not been reported in the literature in individuals with PTCH1-related conditions. This variant is not present in population databases (ExAC no frequency). This sequence change replaces tyrosine with cysteine at codon 601 of the PTCH1 protein (p.Tyr601Cys). The tyrosine residue is moderately conserved and there is a large physicochemical difference between tyrosine and cysteine. In summary, the available evidence is currently insufficient to determine the role of this variant in disease. Therefore, it has been classified as a Variant of Uncertain Significance. Advanced modeling of protein sequence and biophysical properties (such as structural, functional, and spatial information, amino acid conservation, physicochemical variation, residue mobility, and thermodynamic stability) performed at Invitae indicates that this missense variant is not expected to disrupt PTCH1 protein function.